The following is an entry in ClinVar:

NM_006231.4(POLE):c.114T>A (p.Ser38Arg)

Gene: POLE (DNA polymerase epsilon, catalytic subunit; minus strand). Cytogenetic location: 12q24.33.
Variant type: single nucleotide variant.
Coding change: c.114T>A on transcript NM_006231.4 (MANE Select); coding-DNA position 114, T replaced by A.
Protein change: p.Ser38Arg; replaces serine 38 with arginine.
Molecular consequence: missense variant.
Genome position (GRCh38, 1-based): chr12:132,681,228, A>T on the plus strand (T>A on the coding strand, the complement: POLE is on the minus strand). VCF-style: chr12-132681228-A-T. GRCh37 (hg19) VCF-style: chr12-133257814-A-T.
Other names: c.114T>A (NM_006231.2); short protein forms S38R.
Identifiers: ClinVar variation 1422037 (VCV001422037.9), dbSNP rs2043160789, ClinGen allele CA387370336.

ClinVar aggregate classification (germline): Uncertain significance. Review status: criteria provided, multiple submitters, no conflicts (2 of 4 stars). 2 submissions from 2 submitters: Uncertain significance (2). Last evaluated 2024-10-23.

Conditions:
Hereditary cancer-predisposing syndrome. Also called: Neoplastic Syndromes, Hereditary; Hereditary Cancer Syndrome; Hereditary neoplastic syndrome; Tumor predisposition. Identifiers: Orphanet 140162, MedGen C0027672, MeSH D009386, MONDO:0015356.

Allele frequency attached by ClinVar (database versions not stated): gnomAD exomes below 0.00001; TOPMed below 0.00001.
gnomAD v4.1: 1 of 1,613,996 alleles (0.000062%); highest among the groups gnomAD compares: Admixed American, 0.0017%; no homozygotes.

Submissions (2):

Labcorp Genetics (formerly Invitae), Labcorp
Classification: Uncertain significance. Last evaluated: 2024-10-23. Review status: criteria provided, single submitter. Criteria: Invitae Variant Classification Sherloc (09022015). Collection method: clinical testing. Allele origin: germline.
Comment: This sequence change replaces serine, which is neutral and polar, with arginine, which is basic and polar, at codon 38 of the POLE protein (p.Ser38Arg). This variant is not present in population databases (gnomAD no frequency). This variant has not been reported in the literature in individuals affected with POLE-related conditions. ClinVar contains an entry for this variant (Variation ID: 1422037). Invitae Evidence Modeling of protein sequence and biophysical properties (such as structural, functional, and spatial information, amino acid conservation, physicochemical variation, residue mobility, and thermodynamic stability) indicates that this missense variant is not expected to disrupt POLE protein function with a negative predictive value of 80%. In summary, the available evidence is currently insufficient to determine the role of this variant in disease. Therefore, it has been classified as a Variant of Uncertain Significance.

Ambry Genetics
Classification: Uncertain significance for Hereditary cancer-predisposing syndrome. Last evaluated: 2023-05-30. Review status: criteria provided, single submitter. Criteria: Ambry Variant Classification Scheme 2023. Collection method: clinical testing. Allele origin: germline.
Comment: The p.S38R variant (also known as c.114T>A), located in coding exon 2 of the POLE gene, results from a T to A substitution at nucleotide position 114. The serine at codon 38 is replaced by arginine, an amino acid with dissimilar properties. This amino acid position is conserved. In addition, this alteration is predicted to be tolerated by in silico analysis. Since supporting evidence is limited at this time, the clinical significance of this alteration remains unclear.